The following is an entry in ClinVar:

ClinVar aggregate classification (germline): Pathogenic (1 of 4 stars; one submission).

Submission:

Labcorp Genetics (formerly Invitae), Labcorp
Classification: Pathogenic. Last evaluated: 2025-08-29. Review status: criteria provided, single submitter. Criteria: Invitae Variant Classification Sherloc (09022015). Collection method: clinical testing. Allele origin: germline.
Comment: This sequence change creates a premature translational stop signal (p.Pro1413Argfs*37) in the COL4A2 gene. It is expected to result in an absent or disrupted protein product. Loss-of-function variants in COL4A2 are known to be pathogenic (PMID: 22333902, 30315939). This variant is not present in population databases (gnomAD no frequency). This variant has not been reported in the literature in individuals affected with COL4A2-related conditions. For these reasons, this variant has been classified as Pathogenic.

Literature cited by the submitters: PubMed 22333902; PubMed 30315939.

NM_001846.4(COL4A2):c.4237_4264del (p.Pro1413fs)

Genes: COL4A2 (collagen type IV alpha 2 chain; plus strand), COL4A2-AS1 (COL4A2 antisense RNA 1; minus strand). Cytogenetic location: 13q34.
Variant type: Deletion.
Coding change: c.4237_4264del on transcript NM_001846.4 (MANE Select); coding-DNA positions 4237 to 4264, 28 bases deleted (CCTGGGGCACCGGGGGAGATGGGGCCCC).
Protein change: p.Pro1413fs; shifts the reading frame from proline 1413.
Molecular consequence: frameshift variant.
Genome position (GRCh38, 1-based): chr13:110,503,945-110,503,972, CCTGGGGCACCGGGGGAGATGGGGCCCC deleted; deleting any 28 consecutive bases within chr13:110,503,939-110,503,972 gives the same sequence; the c. name uses the placement nearest the transcript's 3' end. VCF-style (leftmost placement, unchanged base first): chr13-110503938-AGGCCCCCCTGGGGCACCGGGGGAGATGG-A. GRCh37 (hg19) VCF-style: chr13-111156285-AGGCCCCCCTGGGGCACCGGGGGAGATGG-A.
Other names: short protein forms P1413fs.
Identifiers: ClinVar variation 4697424 (VCV004697424.1).